The following is an entry in ClinVar:

NM_001376.5(DYNC1H1):c.8988A>G (p.Glu2996=)

Genes: DYNC1H1 (dynein cytoplasmic 1 heavy chain 1; plus strand), LOC126862060 (BRD4-independent group 4 enhancer GRCh37_chr14:102493659-102494858; plus strand). Cytogenetic location: 14q32.31.
Variant type: single nucleotide variant.
Coding change: c.8988A>G on transcript NM_001376.5 (MANE Select); coding-DNA position 8988, A replaced by G.
Protein change: p.Glu2996=; no amino-acid change (glutamic acid 2996 retained).
Molecular consequence: synonymous variant.
Genome position (GRCh38, 1-based): chr14:102,027,484, A>G. VCF-style: chr14-102027484-A-G. GRCh37 (hg19) VCF-style: chr14-102493821-A-G.
Identifiers: ClinVar variation 700618 (VCV000700618.30), dbSNP rs149327058, ClinGen allele CA7353144.

ClinVar aggregate classification (germline): Likely benign. Review status: criteria provided, multiple submitters, no conflicts (2 of 4 stars). 2 submissions from 2 submitters: Likely benign (2). Last evaluated 2025-12-21.

Conditions:
Charcot-Marie-Tooth disease axonal type 2O. Also called: Charcot-Marie-Tooth Neuropathy Type 2O; Charcot-Marie-Tooth disease, axonal, type 20; CHARCOT-MARIE-TOOTH NEUROPATHY, AXONAL, TYPE 2O; CHARCOT-MARIE-TOOTH DISEASE, AXONAL, AUTOSOMAL DOMINANT, TYPE 2O. Identifiers: Orphanet 284232, MedGen C3280220, MONDO:0013644, OMIM 614228.

Allele frequency attached by ClinVar (database versions not stated): gnomAD exomes 0.00001 and 0.00002; ExAC 0.00002; gnomAD 0.00007 and 0.00008; TOPMed 0.00009; 1000 Genomes Project 30x 0.00031; 1000 Genomes Project 0.00040.
gnomAD v4.1: 36 of 1,614,126 alleles (0.0022%); highest among the groups gnomAD compares: African/African-American, 0.041%; no homozygotes.

Submissions (2):

Labcorp Genetics (formerly Invitae), Labcorp
Classification: Likely benign for Charcot-Marie-Tooth disease axonal type 2O. Last evaluated: 2025-12-21. Review status: criteria provided, single submitter. Criteria: Invitae Variant Classification Sherloc (09022015). Collection method: clinical testing. Allele origin: germline.

CeGaT Center for Human Genetics Tuebingen
Classification: Likely benign. Last evaluated: 2023-04-01. Review status: criteria provided, single submitter. Criteria: CeGaT Center For Human Genetics Tuebingen Variant Classification Criteria Version 2. Collection method: clinical testing. Allele origin: germline. Affected: yes. Observed: 1 variant allele.
Comment: DYNC1H1: BP4, BP7